The following is an entry in ClinVar:

ClinVar aggregate classification (germline): Uncertain significance (1 of 4 stars; one submission).

Conditions:
Charcot-Marie-Tooth disease type 4. Also called: Charcot-Marie-Tooth disease, type IV; Charcot-Marie-Tooth, Type 4. Identifiers: Orphanet 64749, MedGen C4082197, MONDO:0018995.

Submission:

Labcorp Genetics (formerly Invitae), Labcorp
Classification: Uncertain significance for Charcot-Marie-Tooth disease type 4. Last evaluated: 2022-05-13. Review status: criteria provided, single submitter. Criteria: Invitae Variant Classification Sherloc (09022015). Collection method: clinical testing. Allele origin: germline.
Comment: This sequence change falls in intron 1 of the SH3TC2 gene. It does not directly change the encoded amino acid sequence of the SH3TC2 protein. It affects a nucleotide within the consensus splice site. This variant is present in population databases (no rsID available, gnomAD 0.002%). This variant has not been reported in the literature in individuals affected with SH3TC2-related conditions. Variants that disrupt the consensus splice site are a relatively common cause of aberrant splicing (PMID: 17576681, 9536098). Algorithms developed to predict the effect of sequence changes on RNA splicing suggest that this variant is not likely to affect RNA splicing. In summary, the available evidence is currently insufficient to determine the role of this variant in disease. Therefore, it has been classified as a Variant of Uncertain Significance.

Literature cited by the submitters: PubMed 17576681; PubMed 9536098.

NM_024577.4(SH3TC2):c.53-5_53-3del

Gene: SH3TC2 (SH3 domain and tetratricopeptide repeats 2; minus strand). Cytogenetic location: 5q32.
Variant type: Deletion.
Coding change: c.53-5_53-3del on transcript NM_024577.4 (MANE Select); 5 bases into the intron before coding-DNA position 53 through 3 bases into the intron before coding-DNA position 53, 3 bases deleted (TCC; older notation c.53-5_53-3delTCC).
Molecular consequence: intron variant.
Genome position (GRCh38, 1-based): chr5:149,052,243-149,052,245, GGA deleted on the plus strand (TCC on the coding strand, the reverse complement: SH3TC2 is on the minus strand); deleting any 3 consecutive bases within chr5:149,052,243-149,052,246 gives the same sequence; the c. name uses the placement nearest the transcript's 3' end. VCF-style (leftmost placement, unchanged base first): chr5-149052242-TGGA-T. GRCh37 (hg19) VCF-style: chr5-148431805-TGGA-T.
Identifiers: ClinVar variation 2052857 (VCV002052857.1), dbSNP rs1209911948, ClinGen allele CA563537825.